The following is an entry in ClinVar:

ClinVar aggregate classification (germline): Conflicting classifications of pathogenicity. Review status: criteria provided, conflicting classifications (1 of 4 stars). 2 submissions from 2 submitters: Uncertain significance (1); Likely benign (1). Last evaluated 2025-09-15.

Allele frequency attached by ClinVar (database versions not stated): gnomAD 0.00001; gnomAD exomes 0.00003 and 0.00011; ExAC 0.00009.
gnomAD v4.1: 38 of 1,612,996 alleles (0.0024%); highest among the groups gnomAD compares: Admixed American, 0.05%; no homozygotes.

Submissions (2):

Labcorp Genetics (formerly Invitae), Labcorp
Classification: Likely benign. Last evaluated: 2025-09-15. Review status: criteria provided, single submitter. Criteria: Invitae Variant Classification Sherloc (09022015). Collection method: clinical testing. Allele origin: germline.

GeneDx
Classification: Uncertain significance. Last evaluated: 2024-10-16. Review status: criteria provided, single submitter. Criteria: GeneDx Variant Classification Process June 2021. Collection method: clinical testing. Allele origin: germline. Affected: yes.
Comment: Has not been previously published as pathogenic or benign to our knowledge; In silico analysis indicates that this missense variant does not alter protein structure/function

NM_080680.3(COL11A2):c.143G>A (p.Arg48Gln)

Gene: COL11A2 (collagen type XI alpha 2 chain; minus strand). Cytogenetic location: 6p21.32.
Variant type: single nucleotide variant.
Coding change: c.143G>A on transcript NM_080680.3 (MANE Select); coding-DNA position 143, G replaced by A.
Protein change: p.Arg48Gln; replaces arginine 48 with glutamine.
Molecular consequence: missense variant.
Genome position (GRCh38, 1-based): chr6:33,189,409, C>T on the plus strand (G>A on the coding strand, the complement: COL11A2 is on the minus strand). VCF-style: chr6-33189409-C-T. GRCh37 (hg19) VCF-style: chr6-33157186-C-T.
Other names: c.143G>A, p.Arg48Gln (NM_001163771.2, NM_080679.3, NM_080681.3); short protein forms R48Q.
Identifiers: ClinVar variation 1185806 (VCV001185806.11), dbSNP rs760502556, ClinGen allele CA3751746.